The following is an entry in ClinVar:

ClinVar aggregate classification (germline): Uncertain significance. Review status: criteria provided, single submitter (1 of 4 stars). 2 submissions from 2 submitters: Uncertain significance (1). 1 of the submissions does not count toward it. Last evaluated 2024-01-16.

Conditions:
VPS13A-related neurodegenerative disease. Also called: LEVINE-CRITCHLEY SYNDROME; Choreoacanthocytosis; Chorea-acanthocytosis; ACANTHOCYTOSIS WITH NEUROLOGIC DISORDER; VPS13A Disease; Choreaacanthocytosis. Identifiers: Orphanet 2388, MedGen C0393576, MONDO:0008695, OMIM 200150.

Submissions (2):

Mayo Clinic Laboratories, Mayo Clinic
Classification: Uncertain significance. Last evaluated: 2024-01-16. Review status: criteria provided, single submitter. Criteria: ACMG Guidelines, 2015. Collection method: clinical testing. Allele origin: germline. Observed: 1 variant allele.
Comment: BP4

Natera, Inc.
Classification: Uncertain significance for Choreaacanthocytosis. Last evaluated: 2025-03-30. Review status: no assertion criteria provided. Collection method: clinical testing. Allele origin: germline. Not counted in ClinVar's aggregate classification.

NM_033305.3(VPS13A):c.6035A>G (p.Asp2012Gly)

Gene: VPS13A (vacuolar protein sorting 13 homolog A; plus strand). Cytogenetic location: 9q21.2.
Variant type: single nucleotide variant.
Coding change: c.6035A>G on transcript NM_033305.3 (MANE Select); coding-DNA position 6035, A replaced by G.
Protein change: p.Asp2012Gly; replaces aspartic acid 2012 with glycine.
Molecular consequence: missense variant.
Genome position (GRCh38, 1-based): chr9:77,332,053, A>G. VCF-style: chr9-77332053-A-G. GRCh37 (hg19) VCF-style: chr9-79946969-A-G.
Other names: p.Asp2012Gly; c.5918A>G, p.Asp1973Gly (NM_001018037.2); c.6035A>G, p.Asp2012Gly (NM_001018038.3, NM_015186.4); c.6035A>G (NM_033305.2); short protein forms D1973G, D2012G.
Identifiers: ClinVar variation 3379876 (VCV003379876.2).